The following is an entry in ClinVar:

ClinVar aggregate classification (germline): Uncertain significance. Review status: criteria provided, multiple submitters, no conflicts (2 of 4 stars). 2 submissions from 2 submitters: Uncertain significance (2). Last evaluated 2025-11-05.

Conditions:
Early-infantile DEE. Also called: Ohtahara syndrome; Early infantile epileptic encephalopathy; Early infantile epileptic encephalopathy with suppression bursts. Identifiers: Orphanet 1934, MedGen C0393706, MONDO:0800491.

Allele frequency attached by ClinVar (database versions not stated): gnomAD exomes below 0.00001.

Submissions (2):

Labcorp Genetics (formerly Invitae), Labcorp
Classification: Uncertain significance for Early-infantile DEE. Last evaluated: 2025-11-05. Review status: criteria provided, single submitter. Criteria: Invitae Variant Classification Sherloc (09022015). Collection method: clinical testing. Allele origin: germline.
Comment: This sequence change replaces isoleucine, which is neutral and non-polar, with valine, which is neutral and non-polar, at codon 122 of the SCN1A protein (p.Ile122Val). This variant is present in population databases (no rsID available, gnomAD 0.0009%). This missense change has been observed in individual(s) with autosomal dominant SCN1A-related conditions (PMID: 31765958, 35571373). ClinVar contains an entry for this variant (Variation ID: 1313134). Invitae Evidence Modeling of protein sequence and biophysical properties (such as structural, functional, and spatial information, amino acid conservation, physicochemical variation, residue mobility, and thermodynamic stability) indicates that this missense variant is expected to disrupt SCN1A protein function with a positive predictive value of 80%. This variant disrupts the p.Ile122 amino acid residue in SCN1A. Other variant(s) that disrupt this residue have been observed in individuals with SCN1A-related conditions (PMID: 35074891), which suggests that this may be a clinically significant amino acid residue. In summary, the available evidence is currently insufficient to determine the role of this variant in disease. Therefore, it has been classified as a Variant of Uncertain Significance.

GeneDx
Classification: Uncertain significance. Last evaluated: 2021-03-30. Review status: criteria provided, single submitter. Criteria: GeneDx Variant Classification Process June 2021. Collection method: clinical testing. Allele origin: germline. Affected: yes.
Comment: Reported previously in the heterozygous state in a patient with febrile and afebrile seizures, mild intellectual disability, and status epilepticus who also harbored another SCN1A missense variant; it is not known whether the variants occurred on the same (in cis) or on different (in trans) chromosomes (Till et al., 2020); Not observed in large population cohorts (Lek et al., 2016); This substitution is predicted to be within the N-terminal cytoplasmic domain; Missense variants in this gene are often considered pathogenic (Stenson et al., 2014); In silico analysis supports that this missense variant does not alter protein structure/function; This variant is associated with the following publications: (PMID: 31765958)

Literature cited by the submitters: PubMed 31765958 (cited by Labcorp Genetics (formerly Invitae), Labcorp); PubMed 35571373 (cited by Labcorp Genetics (formerly Invitae), Labcorp); PubMed 35074891 (cited by Labcorp Genetics (formerly Invitae), Labcorp).

NM_001165963.4(SCN1A):c.364A>G (p.Ile122Val)

Gene: SCN1A (sodium voltage-gated channel alpha subunit 1; minus strand). Cytogenetic location: 2q24.3.
Variant type: single nucleotide variant.
Coding change: c.364A>G on transcript NM_001165963.4 (MANE Select); coding-DNA position 364, A replaced by G.
Protein change: p.Ile122Val; replaces isoleucine 122 with valine.
Molecular consequence: missense variant. On other transcripts: 5 prime UTR variant (1), non-coding transcript variant (1).
Genome position (GRCh38, 1-based): chr2:166,058,589, T>C on the plus strand (A>G on the coding strand, the complement: SCN1A is on the minus strand). VCF-style: chr2-166058589-T-C. GRCh37 (hg19) VCF-style: chr2-166915099-T-C.
Other names: c.364A>G, p.Ile122Val (NM_001165964.3, NM_001202435.3, NM_001353948.2 and 10 more transcripts); c.-2062A>G (NM_001353961.2); short protein forms I122V.
Identifiers: ClinVar variation 1313134 (VCV001313134.6), dbSNP rs1405137253, ClinGen allele CA349076850.